The following is an entry in ClinVar:

NM_000186.4(CFH):c.2941C>T (p.Pro981Ser)

Gene: CFH (complement factor H; plus strand). Cytogenetic location: 1q31.3.
Variant type: single nucleotide variant.
Coding change: c.2941C>T on transcript NM_000186.4 (MANE Select); coding-DNA position 2941, C replaced by T.
Protein change: p.Pro981Ser; replaces proline 981 with serine.
Molecular consequence: missense variant.
Genome position (GRCh38, 1-based): chr1:196,740,777, C>T. VCF-style: chr1-196740777-C-T. GRCh37 (hg19) VCF-style: chr1-196709907-C-T.
Other names: short protein forms P981S.
Identifiers: ClinVar variation 4291524 (VCV004291524.1).
Genomic context (GRCh38, chr1:196,740,777, plus strand): 5'-GAAGGTTTTGGAATTGATGGGCCTGCAATTGCAAAATGCTTAGGAGAAAAATGGTCTCAC[C>T]CTCCATCATGCATAAGTATGGTGCATTGAATTTTATTATATGTATGATAAATATTCTTCA-3'
Protein context (NP_000177.2, residues 971-991): AKCLGEKWSH[Pro981Ser]PSCIKTDCLS

ClinVar aggregate classification (germline): Uncertain significance (1 of 4 stars; one submission).

Conditions:
Age related macular degeneration 4. Identifiers: MedGen C1853147, MONDO:0012540, OMIM 610698.

Submission:

Genomenon, Inc
Classification: Uncertain significance for Age related macular degeneration 4. Last evaluated: 2025-10-02. Review status: criteria provided, single submitter. Criteria: Genomenon Sequence Variant Interpretation Standards - Updated. Collection method: curation. Allele origin: germline. Affected: yes.
Comment: CFH p.Pro981Ser (c.2941C>T) is a missense variant that changes the amino acid at residue 981 from Proline to Serine. This variant has been observed in at least one proband affected with age-related macular degeneration (PMID:26501415). It is absent or not present at a significant frequency in gnomAD. In conclusion, we classify CFH p.Pro981Ser (c.2941C>T) as a variant of uncertain significance.

Literature cited by the submitters: PubMed 26501415.